The following is an entry in ClinVar:

NM_005228.5(EGFR):c.651G>C (p.Gln217His)

Gene: EGFR (epidermal growth factor receptor; plus strand). Cytogenetic location: 7p11.2.
Variant type: single nucleotide variant.
Coding change: c.651G>C on transcript NM_005228.5 (MANE Select); coding-DNA position 651, G replaced by C.
Protein change: p.Gln217His; replaces glutamine 217 with histidine.
Molecular consequence: missense variant. On other transcripts: intron variant (1).
Genome position (GRCh38, 1-based): chr7:55,152,568, G>C. VCF-style: chr7-55152568-G-C. GRCh37 (hg19) VCF-style: chr7-55220261-G-C.
Other names: c.516G>C, p.Gln172His (NM_001346897.2, NM_001346899.2); c.651G>C, p.Gln217His (NM_001346898.2, NM_201282.2, NM_201283.2 and 1 more transcripts); c.492G>C, p.Gln164His (NM_001346900.2); c.89-3262G>C (NM_001346941.2); short protein forms Q217H, Q164H, Q172H.
Identifiers: ClinVar variation 2824700 (VCV002824700.3), dbSNP rs2128933689, ClinGen allele CA367577365.

ClinVar aggregate classification (germline): Uncertain significance (1 of 4 stars; one submission).

Conditions:
EGFR-related lung cancer (EGFR). Identifiers: MedGen CN130014.

gnomAD v4.1: 1 of 1,613,998 alleles (0.000062%); highest among the groups gnomAD compares: Non-Finnish European, 0.000085%; no homozygotes.

Submission:

Labcorp Genetics (formerly Invitae), Labcorp
Classification: Uncertain significance for EGFR-related lung cancer. Last evaluated: 2023-03-27. Review status: criteria provided, single submitter. Criteria: Invitae Variant Classification Sherloc (09022015). Collection method: clinical testing. Allele origin: germline.
Comment: This sequence change replaces glutamine, which is neutral and polar, with histidine, which is basic and polar, at codon 217 of the EGFR protein (p.Gln217His). In summary, the available evidence is currently insufficient to determine the role of this variant in disease. Therefore, it has been classified as a Variant of Uncertain Significance. Advanced modeling of protein sequence and biophysical properties (such as structural, functional, and spatial information, amino acid conservation, physicochemical variation, residue mobility, and thermodynamic stability) performed at Invitae indicates that this missense variant is not expected to disrupt EGFR protein function. This variant has not been reported in the literature in individuals affected with EGFR-related conditions. This variant is not present in population databases (gnomAD no frequency).